The following is an entry in ClinVar:

ClinVar aggregate classification (germline): Likely benign (1 of 4 stars; one submission).

gnomAD v4.1: 424 of 1,147,188 alleles (0.037%); highest among the groups gnomAD compares: Middle Eastern, 0.59%; 39 homozygotes.

Submission:

CeGaT Center for Human Genetics Tuebingen
Classification: Likely benign. Last evaluated: 2023-01-01. Review status: criteria provided, single submitter. Criteria: CeGaT Center For Human Genetics Tuebingen Variant Classification Criteria Version 2. Collection method: clinical testing. Allele origin: germline. Affected: yes. Observed: 1 variant allele.
Comment: FAM66D: BS2; USP17L7: BS2

NM_001256869.2(USP17L7):c.33C>G (p.Asp11Glu)

Genes: FAM66D (family with sequence similarity 66 member D), USP17L7 (ubiquitin specific peptidase 17 like family member 7; minus strand). Cytogenetic location: 8p23.1.
Variant type: single nucleotide variant.
Coding change: c.33C>G on transcript NM_001256869.2 (MANE Select); coding-DNA position 33, C replaced by G.
Protein change: p.Asp11Glu; replaces aspartic acid 11 with glutamic acid.
Molecular consequence: missense variant.
Genome position (GRCh38, 1-based): chr8:12,133,977, G>C on the plus strand (C>G on the coding strand, the complement: USP17L7 is on the minus strand). VCF-style: chr8-12133977-G-C. GRCh37 (hg19) VCF-style: chr8-11991486-G-C.
Other names: short protein forms D11E.
Identifiers: ClinVar variation 2658422 (VCV002658422.24), dbSNP rs760391238, ClinGen allele CA4634644.